The following is an entry in ClinVar:

NM_001197104.2(KMT2A):c.3926C>T (p.Pro1309Leu)

Gene: KMT2A (lysine methyltransferase 2A; plus strand). Cytogenetic location: 11q23.3.
Variant type: single nucleotide variant.
Coding change: c.3926C>T on transcript NM_001197104.2 (MANE Select); coding-DNA position 3926, C replaced by T.
Protein change: p.Pro1309Leu; replaces proline 1309 with leucine.
Molecular consequence: missense variant.
Genome position (GRCh38, 1-based): chr11:118,482,006, C>T. VCF-style: chr11-118482006-C-T. GRCh37 (hg19) VCF-style: chr11-118352721-C-T.
Other names: c.4025C>T, p.Pro1342Leu (NM_001412597.1); c.3926C>T, p.Pro1309Leu (NM_005933.4); short protein forms P1309L, P1342L.
Identifiers: ClinVar variation 1948369 (VCV001948369.5), dbSNP rs782521960, ClinGen allele CA6303747.

ClinVar aggregate classification (germline): Uncertain significance (1 of 4 stars; one submission).

Allele frequency attached by ClinVar (database versions not stated): gnomAD exomes below 0.00001; gnomAD 0.00003; TOPMed 0.00003; ExAC 0.00006.
gnomAD v4.1: 8 of 1,614,104 alleles (0.0005%); highest among the groups gnomAD compares: East Asian, 0.018%; no homozygotes.

Submission:

Labcorp Genetics (formerly Invitae), Labcorp
Classification: Uncertain significance. Last evaluated: 2025-11-03. Review status: criteria provided, single submitter. Criteria: Invitae Variant Classification Sherloc (09022015). Collection method: clinical testing. Allele origin: germline.
Comment: This sequence change replaces proline, which is neutral and non-polar, with leucine, which is neutral and non-polar, at codon 1309 of the KMT2A protein (p.Pro1309Leu). This variant is present in population databases (rs782521960, gnomAD 0.04%). This variant has not been reported in the literature in individuals affected with KMT2A-related conditions. ClinVar contains an entry for this variant (Variation ID: 1948369). Invitae Evidence Modeling of protein sequence and biophysical properties (such as structural, functional, and spatial information, amino acid conservation, physicochemical variation, residue mobility, and thermodynamic stability) has been performed for this missense variant. However, the output from this modeling did not meet the statistical confidence thresholds required to predict the impact of this variant on KMT2A protein function. In summary, the available evidence is currently insufficient to determine the role of this variant in disease. Therefore, it has been classified as a Variant of Uncertain Significance.